The following is an entry in ClinVar:

ClinVar aggregate classification (germline): Uncertain significance (1 of 4 stars; one submission).

Submission:

Labcorp Genetics (formerly Invitae), Labcorp
Classification: Uncertain significance. Last evaluated: 2022-08-27. Review status: criteria provided, single submitter. Criteria: Invitae Variant Classification Sherloc (09022015). Collection method: clinical testing. Allele origin: germline.
Comment: This sequence change replaces glycine, which is neutral and non-polar, with aspartic acid, which is acidic and polar, at codon 276 of the PDE6B protein (p.Gly276Asp). This variant is not present in population databases (gnomAD no frequency). This variant has not been reported in the literature in individuals affected with PDE6B-related conditions. ClinVar contains an entry for this variant (Variation ID: 1063956). Algorithms developed to predict the effect of missense changes on protein structure and function are either unavailable or do not agree on the potential impact of this missense change (SIFT: "Deleterious"; PolyPhen-2: "Probably Damaging"; Align-GVGD: "Class C15"). In summary, the available evidence is currently insufficient to determine the role of this variant in disease. Therefore, it has been classified as a Variant of Uncertain Significance.

NM_000283.4(PDE6B):c.827G>A (p.Gly276Asp)

Genes: PDE6B (phosphodiesterase 6B; plus strand), PDE6B-AS1 (PDE6B antisense RNA 1; minus strand). Cytogenetic location: 4p16.3.
Variant type: single nucleotide variant.
Coding change: c.827G>A on transcript NM_000283.4 (MANE Select); coding-DNA position 827, G replaced by A.
Protein change: p.Gly276Asp; replaces glycine 276 with aspartic acid.
Molecular consequence: missense variant. On other transcripts: 5 prime UTR variant (5).
Genome position (GRCh38, 1-based): chr4:653,967, G>A. VCF-style: chr4-653967-G-A. GRCh37 (hg19) VCF-style: chr4-647756-G-A.
Other names: c.827G>A, p.Gly276Asp (NM_001145291.2); c.-11G>A (NM_001145292.2, NM_001350154.3, NM_001379246.1 and 1 more transcripts); c.-214G>A (NM_001350155.3); short protein forms G276D.
Identifiers: ClinVar variation 1063956 (VCV001063956.9), dbSNP rs1735860141, ClinGen allele CA355911472.